The following is an entry in ClinVar:

ClinVar aggregate classification (germline): Uncertain significance (1 of 4 stars; one submission).

Conditions:
Intellectual developmental disorder, X-linked 1. Also called: Atkin Flaitz Patil Smith syndrome; Intellectual disability, X-linked 1; MENTAL RETARDATION, X-LINKED 18; MENTAL RETARDATION, X-LINKED 78. Identifiers: Orphanet 777, MedGen C2931498, MONDO:0010656, OMIM 309530.

gnomAD v4.1: 1 of 1,209,042 alleles (0.000083%); no homozygotes.

Submission:

Labcorp Genetics (formerly Invitae), Labcorp
Classification: Uncertain significance for Intellectual developmental disorder, X-linked 1. Last evaluated: 2022-07-12. Review status: criteria provided, single submitter. Criteria: Invitae Variant Classification Sherloc (09022015). Collection method: clinical testing. Allele origin: germline.
Comment: This sequence change replaces lysine, which is basic and polar, with arginine, which is basic and polar, at codon 1013 of the IQSEC2 protein (p.Lys1013Arg). This variant is not present in population databases (gnomAD no frequency). This variant has not been reported in the literature in individuals affected with IQSEC2-related conditions. ClinVar contains an entry for this variant (Variation ID: 1040068). Algorithms developed to predict the effect of missense changes on protein structure and function are either unavailable or do not agree on the potential impact of this missense change (SIFT: "Tolerated"; PolyPhen-2: "Possibly Damaging"; Align-GVGD: "Class C0"). In summary, the available evidence is currently insufficient to determine the role of this variant in disease. Therefore, it has been classified as a Variant of Uncertain Significance.

NM_001111125.3(IQSEC2):c.3038A>G (p.Lys1013Arg)

Gene: IQSEC2 (IQ motif and Sec7 domain ArfGEF 2; minus strand). Cytogenetic location: Xp11.22.
Variant type: single nucleotide variant.
Coding change: c.3038A>G on transcript NM_001111125.3 (MANE Select); coding-DNA position 3038, A replaced by G.
Protein change: p.Lys1013Arg; replaces lysine 1013 with arginine.
Molecular consequence: missense variant.
Genome position (GRCh38, 1-based): chrX:53,239,272, T>C on the plus strand (A>G on the coding strand, the complement: IQSEC2 is on the minus strand). VCF-style: chrX-53239272-T-C. GRCh37 (hg19) VCF-style: chrX-53268454-T-C.
Other names: c.2423A>G, p.Lys808Arg (NM_015075.2); short protein forms K1013R, K808R.
Identifiers: ClinVar variation 1040068 (VCV001040068.12), dbSNP rs2074181844, ClinGen allele CA413147943.